The following is an entry in ClinVar:

NM_001244008.2(KIF1A):c.302C>T (p.Ala101Val)

Gene: KIF1A (kinesin family member 1A; minus strand). Cytogenetic location: 2q37.3.
Variant type: single nucleotide variant.
Coding change: c.302C>T on transcript NM_001244008.2 (MANE Select); coding-DNA position 302, C replaced by T.
Protein change: p.Ala101Val; replaces alanine 101 with valine.
Molecular consequence: missense variant.
Genome position (GRCh38, 1-based): chr2:240,788,112, G>A on the plus strand (C>T on the coding strand, the complement: KIF1A is on the minus strand). VCF-style: chr2-240788112-G-A. GRCh37 (hg19) VCF-style: chr2-241727529-G-A.
Other names: c.302C>T, p.Ala101Val (NM_001320705.2, NM_001330289.2, NM_001330290.2 and 21 more transcripts); short protein forms A101V.
Identifiers: ClinVar variation 2444305 (VCV002444305.1), dbSNP rs2126091776, ClinGen allele CA351310258.

ClinVar aggregate classification (germline): Likely pathogenic (1 of 4 stars; one submission).

Conditions:
Hereditary spastic paraplegia 30. Identifiers: Orphanet 101010, MedGen C5235139, MONDO:0012476.

Submission:

3billion
Classification: Likely pathogenic for Spastic paraplegia 30A, autosomal dominant. Last evaluated: 2023-02-23. Review status: criteria provided, single submitter. Criteria: ACMG Guidelines, 2015. Collection method: clinical testing. Allele origin: unknown. Affected: yes.
Comment: The variant is not observed in the gnomAD v2.1.1 dataset. Missense changes are a common disease-causing mechanism. In silico tool predictions suggest damaging effect of the variant on gene or gene product (REVEL: 0.76; 3Cnet: 0.99). A different missense change at the same codon (p.Ala101Thr) has been reported to be associated with KIF1A related disorder (ClinVar ID: VCV001700774). Therefore, this variant is classified as Likely pathogenic according to the recommendation of ACMG/AMP guideline.

Literature cited by the submitters: PubMed 31488895.